The following is an entry in ClinVar:

ClinVar aggregate classification (germline): Uncertain significance (1 of 4 stars; one submission).

Submission:

Labcorp Genetics (formerly Invitae), Labcorp
Classification: Uncertain significance. Last evaluated: 2022-07-02. Review status: criteria provided, single submitter. Criteria: Invitae Variant Classification Sherloc (09022015). Collection method: clinical testing. Allele origin: germline.
Comment: A copy number gain of the genomic region encompassing the full coding sequence of the PIGV gene has been identified. The boundaries of this event are unknown as they extend beyond the assayed region for this gene and therefore may encompass additional genes. As the precise location of this event is unknown, it may be in tandem or it may be located elsewhere in the genome. This variant has not been reported in the literature in individuals affected with PIGV-related conditions. In summary, the available evidence is currently insufficient to determine the role of this variant in disease. Therefore, it has been classified as a Variant of Uncertain Significance.

NC_000001.10:g.(?_27117307)_(27480825_?)dup

Genes: ZDHHC18 (zinc finger DHHC-type palmitoyltransferase 18; plus strand), GPATCH3 (G-patch domain containing 3; minus strand), GPN2 (GPN-loop GTPase 2; minus strand), KDF1 (keratinocyte differentiation factor 1; minus strand), NR0B2 (nuclear receptor subfamily 0 group B member 2; minus strand) and 6 more. Cytogenetic location: 1p36.11.
Variant type: Duplication.
Identifiers: ClinVar variation 1412090 (VCV001412090.4).